The following is an entry in ClinVar:

ClinVar aggregate classification (germline): Likely benign (1 of 4 stars; one submission).

Submission:

CeGaT Center for Human Genetics Tuebingen
Classification: Likely benign. Last evaluated: 2026-09-01. Review status: criteria provided, single submitter. Criteria: CeGaT Center For Human Genetics Tuebingen Variant Classification Criteria Version 2. Collection method: clinical testing. Allele origin: germline. Affected: yes. Observed: 1 variant allele.
Comment: RBFOX1: BP4, BP7

NM_001415887.1(RBFOX1):c.213A>G (p.Glu71=)

Gene: RBFOX1 (RNA binding fox-1 homolog 1; plus strand). Cytogenetic location: 16p13.3.
Variant type: single nucleotide variant.
Coding change: c.213A>G on transcript NM_001415887.1; coding-DNA position 213, A replaced by G.
Protein change: p.Glu71=; no amino-acid change (glutamic acid 71 retained).
Molecular consequence: synonymous variant.
Genome position (GRCh38, 1-based): chr16:5,239,979, A>G. VCF-style: chr16-5239979-A-G. GRCh37 (hg19) VCF-style: chr16-5289980-A-G.
Other names: c.213A>G, p.Glu71= (NM_001415888.1).
Identifiers: ClinVar variation 5041260 (VCV005041260.1).